The following is an entry in ClinVar:

ClinVar aggregate classification (germline): Uncertain significance. Review status: criteria provided, multiple submitters, no conflicts (2 of 4 stars). 2 submissions from 2 submitters: Uncertain significance (2). Last evaluated 2025-12-01.

Conditions:
H syndrome. Also called: HISTIOCYTOSIS AND LYMPHADENOPATHY WITH OR WITHOUT CUTANEOUS, CARDIAC, AND/OR ENDOCRINE FEATURES, JOINT CONTRACTURES, AND/OR DEAFNESS; HYPERPIGMENTATION, CUTANEOUS, WITH HYPERTRICHOSIS, HEPATOSPLENOMEGALY, HEART ANOMALIES, AND HYPOGONADISM WITH OR WITHOUT HEARING LOSS; PIGMENTED HYPERTRICHOSIS WITH INSULIN-DEPENDENT DIABETES MELLITUS; ROSAI-DORFMAN DISEASE, FAMILIAL; SINUS HISTIOCYTOSIS AND MASSIVE LYMPHADENOPATHY; Hyperpigmentation, Cutaneous, with Hypertrichosis, Hepatosplenomegaly, Heart Anomalies, Hearing Loss, and Hypogonadism. Identifiers: Orphanet 168569, MedGen C1864445, MONDO:0011273, OMIM 602782.

Allele frequency attached by ClinVar (database versions not stated): gnomAD 0.00003 and 0.00004; TOPMed 0.00003; gnomAD exomes 0.00006 and 0.00011; ExAC 0.00008; ESP Exome Variant Server 0.00008.
gnomAD v4.1: 91 of 1,614,126 alleles (0.0056%); highest among the groups gnomAD compares: East Asian, 0.022%; no homozygotes.

Submissions (2):

Labcorp Genetics (formerly Invitae), Labcorp
Classification: Uncertain significance for H syndrome. Last evaluated: 2025-12-01. Review status: criteria provided, single submitter. Criteria: Invitae Variant Classification Sherloc (09022015). Collection method: clinical testing. Allele origin: germline.
Comment: This sequence change replaces threonine, which is neutral and polar, with methionine, which is neutral and non-polar, at codon 140 of the SLC29A3 protein (p.Thr140Met). This variant is present in population databases (rs374153053, gnomAD 0.04%). This variant has not been reported in the literature in individuals affected with SLC29A3-related conditions. ClinVar contains an entry for this variant (Variation ID: 1419877). Invitae Evidence Modeling of protein sequence and biophysical properties (such as structural, functional, and spatial information, amino acid conservation, physicochemical variation, residue mobility, and thermodynamic stability) indicates that this missense variant is not expected to disrupt SLC29A3 protein function with a negative predictive value of 95%. In summary, the available evidence is currently insufficient to determine the role of this variant in disease. Therefore, it has been classified as a Variant of Uncertain Significance.

Fulgent Genetics
Classification: Uncertain significance for H syndrome. Last evaluated: 2023-12-29. Review status: criteria provided, single submitter. Criteria: ACMG Guidelines, 2015. Collection method: clinical testing. Allele origin: germline.

NM_018344.6(SLC29A3):c.419C>T (p.Thr140Met)

Gene: SLC29A3 (solute carrier family 29 member 3; plus strand). Cytogenetic location: 10q22.1.
Variant type: single nucleotide variant.
Coding change: c.419C>T on transcript NM_018344.6 (MANE Select); coding-DNA position 419, C replaced by T.
Protein change: p.Thr140Met; replaces threonine 140 with methionine.
Molecular consequence: missense variant. On other transcripts: non-coding transcript variant (1).
Genome position (GRCh38, 1-based): chr10:71,351,597, C>T. VCF-style: chr10-71351597-C-T. GRCh37 (hg19) VCF-style: chr10-73111354-C-T.
Other names: c.419C>T, p.Thr140Met (NM_001174098.2); c.185C>T, p.Thr62Met (NM_001363518.2); c.419C>T (NM_018344.5); short protein forms T140M, T62M.
Identifiers: ClinVar variation 1419877 (VCV001419877.5), dbSNP rs374153053, ClinGen allele CA5542929.